The following is an entry in ClinVar:

ClinVar aggregate classification (germline): Pathogenic. Review status: reviewed by expert panel (3 of 4 stars). 2 submissions from 2 submitters: Pathogenic (1). 1 of the submissions does not count toward it. Last evaluated 2024-03-15.

Conditions:
Telangiectasia, hereditary hemorrhagic, type 2 (HHT2). Also called: ACVRL1-Related Hereditary Hemorrhagic Telangiectasia; Telangiectasia, hereditary hemorrhagic, type II. Identifiers: Orphanet 774, MedGen C1838163, MONDO:0010880, OMIM 600376. Disease mechanism: loss of function.

Submissions (2):

ClinGen Hereditary Hemorrhagic Telangiectasia Variant Curation Expert Panel, ClinGen
Classification: Pathogenic for Telangiectasia, hereditary hemorrhagic, type 2. Last evaluated: 2024-03-15. Review status: reviewed by expert panel. Criteria: ClinGen HHT ACMG Specifications ACVRL1 V1.1.0. Collection method: curation. Allele origin: germline. Inheritance: Autosomal dominant inheritance.
Comment: The NM_000020.3: c.620del (p.Cys207Leufs*51) variant in ACVRL1 is a frameshift variant predicted to cause a premature stop codon in biologically relevant exon 5 (out of 10) leading to nonsense mediated decay in a gene in which loss-of-function is an established disease mechanism (PVS1). This variant is absent from gnomAD v2.1.1 (PM2_Supporting). This variant has been reported in a proband with a phenotype consistent of HHT (PS4_Supporting; Internal lab contributors). In summary, this variant meets the criteria to be classified as pathogenic for autosomal dominant hereditary hemorrhagic telangiectasia based on the ACMG/AMP criteria applied, as specified by the ClinGen Hereditary Hemorrhagic Telangiectasia Variant Curation Expert Panel: PVS1, PM2_Supporting, PS4_Supporting (specification version 1.0.0; 1/4/2024).

Labcorp Genetics (formerly Invitae), Labcorp
Classification: Pathogenic for Telangiectasia, hereditary hemorrhagic, type 2. Last evaluated: 2024-06-30. Review status: criteria provided, single submitter. Criteria: Invitae Variant Classification Sherloc (09022015). Collection method: clinical testing. Allele origin: germline. Not counted in ClinVar's aggregate classification.
Comment: This sequence change creates a premature translational stop signal (p.Cys207Leufs*51) in the ACVRL1 gene. It is expected to result in an absent or disrupted protein product. Loss-of-function variants in ACVRL1 are known to be pathogenic (PMID: 15879500). This variant is not present in population databases (gnomAD no frequency). This variant has not been reported in the literature in individuals affected with ACVRL1-related conditions. For these reasons, this variant has been classified as Pathogenic.

Literature cited by the submitters: PubMed 15879500 (cited by Labcorp Genetics (formerly Invitae), Labcorp).

NM_000020.3(ACVRL1):c.620del (p.Cys207fs)

Gene: ACVRL1 (activin A receptor like type 1; plus strand). Cytogenetic location: 12q13.13.
Variant type: Deletion.
Coding change: c.620del on transcript NM_000020.3 (MANE Select); coding-DNA position 620, one base deleted (G; older notation c.620delG).
Protein change: p.Cys207fs; shifts the reading frame from cysteine 207.
Molecular consequence: frameshift variant. On other transcripts: intron variant (6).
Genome position (GRCh38, 1-based): chr12:51,914,068, G deleted. VCF-style (leftmost placement, unchanged base first): chr12-51914067-TG-T. GRCh37 (hg19) VCF-style: chr12-52307851-TG-T.
Other names: NM_001077401.2:c.620del; c.620del, p.Cys207fs (NM_001077401.2, NM_001406487.1, NM_001406488.1 and 1 more transcripts); c.314-371del (NM_001406491.1, NM_001406490.1, NM_001406492.1 and 2 more transcripts); c.62-371del (NM_001406495.1); short protein forms C207fs.
Identifiers: ClinVar variation 3064793 (VCV003064793.3), dbSNP rs2540161714, ClinGen allele CA2740089968.